The following is an entry in ClinVar:

NM_004663.5(RAB11A):c.338C>G (p.Ala113Gly)

Gene: RAB11A (RAB11A, member RAS oncogene family; plus strand). Cytogenetic location: 15q22.31.
Variant type: single nucleotide variant.
Coding change: c.338C>G on transcript NM_004663.5 (MANE Select); coding-DNA position 338, C replaced by G.
Protein change: p.Ala113Gly; replaces alanine 113 with glycine.
Molecular consequence: missense variant.
Genome position (GRCh38, 1-based): chr15:65,877,863, C>G. VCF-style: chr15-65877863-C-G. GRCh37 (hg19) VCF-style: chr15-66170201-C-G.
Other names: c.338C>G, p.Ala113Gly (NM_001206836.2); short protein forms A113G.
Identifiers: ClinVar variation 4724776 (VCV004724776.1).
Genomic context (GRCh38, chr15:65,877,863, plus strand): 5'-TTGCTAAACATCTCACATATGAAAATGTAGAGCGATGGCTGAAAGAACTGAGAGATCATG[C>G]TGATAGTAACATTGTTATCATGCTTGTGGGCAATAAGAGTGATCTACGTCATCTCAGGGC-3'
Protein context (NP_004654.1, residues 103-123): ERWLKELRDH[Ala113Gly]DSNIVIMLVG

ClinVar aggregate classification (germline): Uncertain significance (1 of 4 stars; one submission).

Submission:

Labcorp Genetics (formerly Invitae), Labcorp
Classification: Uncertain significance. Last evaluated: 2025-12-01. Review status: criteria provided, single submitter. Criteria: Invitae Variant Classification Sherloc (09022015). Collection method: clinical testing. Allele origin: germline.
Comment: This sequence change replaces alanine, which is neutral and non-polar, with glycine, which is neutral and non-polar, at codon 113 of the RAB11A protein (p.Ala113Gly). This variant is not present in population databases (gnomAD no frequency). This variant has not been reported in the literature in individuals affected with RAB11A-related conditions. An algorithm developed to predict the effect of missense changes on protein structure and function (PolyPhen-2) suggests that this variant is likely to be disruptive. In summary, the available evidence is currently insufficient to determine the role of this variant in disease. Therefore, it has been classified as a Variant of Uncertain Significance.